The following is an entry in ClinVar:

NM_001368067.1(LDB3):c.327A>G (p.Val109=)

Genes: LDB3 (LIM domain binding 3; plus strand), LOC110121486 (VISTA enhancer hs2143; plus strand). Cytogenetic location: 10q23.2.
Variant type: single nucleotide variant.
Coding change: c.327A>G on transcript NM_001368067.1 (MANE Plus Clinical); coding-DNA position 327, A replaced by G.
Protein change: p.Val109=; no amino-acid change (valine 109 retained).
Molecular consequence: synonymous variant. On other transcripts: intron variant (7).
Genome position (GRCh38, 1-based): chr10:86,685,683, A>G. VCF-style: chr10-86685683-A-G. GRCh37 (hg19) VCF-style: chr10-88445440-A-G.
Other names: c.327A>G, p.Val109= (NM_001080114.2, NM_001368066.1, NM_001368068.1 and 1 more transcripts); c.689+3880A>G (NM_001368064.1, NM_001368063.1, NM_007078.3 and 2 more transcripts); c.690-1386A>G (NM_001171610.2, NM_001171611.2).
Identifiers: ClinVar variation 227495 (VCV000227495.4), dbSNP rs876657489, ClinGen allele CA10576828.

ClinVar aggregate classification (germline): Likely benign (1 of 4 stars; one submission).

Submission:

Laboratory for Molecular Medicine, Mass General Brigham Personalized Medicine
Classification: Likely benign. Last evaluated: 2015-06-09. Review status: criteria provided, single submitter. Criteria: LMM Criteria. Collection method: clinical testing. Allele origin: germline. Observed: 1 variant allele.
Comment: p.Val109Val in exon 4 of LDB3: This variant is not expected to have clinical sig nificance because it does not alter an amino acid residue and is not located wit hin the splice consensus sequence.